The following is an entry in ClinVar:

NM_000170.3(GLDC):c.371C>T (p.Ser124Leu)

Gene: GLDC (glycine decarboxylase; minus strand). Cytogenetic location: 9p24.1.
Variant type: single nucleotide variant.
Coding change: c.371C>T on transcript NM_000170.3 (MANE Select); coding-DNA position 371, C replaced by T.
Protein change: p.Ser124Leu; replaces serine 124 with leucine.
Molecular consequence: missense variant.
Genome position (GRCh38, 1-based): chr9:6,620,283, G>A on the plus strand (C>T on the coding strand, the complement: GLDC is on the minus strand). VCF-style: chr9-6620283-G-A. GRCh37 (hg19) VCF-style: chr9-6620283-G-A.
Other names: short protein forms S124L.
Identifiers: ClinVar variation 1353037 (VCV001353037.3), dbSNP rs1819062238, ClinGen allele CA372879681.

ClinVar aggregate classification (germline): Uncertain significance (1 of 4 stars; one submission).

Conditions:
Glycine encephalopathy. Also called: Non-ketotic hyperglycinemia; Nonketotic hyperglycinemia. Identifiers: Orphanet 407, MedGen C0751748, MONDO:0011612, HP:0008288.

Submission:

Labcorp Genetics (formerly Invitae), Labcorp
Classification: Uncertain significance for Glycine encephalopathy. Last evaluated: 2022-07-18. Review status: criteria provided, single submitter. Criteria: Invitae Variant Classification Sherloc (09022015). Collection method: clinical testing. Allele origin: germline.
Comment: This sequence change replaces serine, which is neutral and polar, with leucine, which is neutral and non-polar, at codon 124 of the GLDC protein (p.Ser124Leu). This variant is not present in population databases (gnomAD no frequency). This variant has not been reported in the literature in individuals affected with GLDC-related conditions. ClinVar contains an entry for this variant (Variation ID: 1353037). Advanced modeling of protein sequence and biophysical properties (such as structural, functional, and spatial information, amino acid conservation, physicochemical variation, residue mobility, and thermodynamic stability) performed at Invitae indicates that this missense variant is not expected to disrupt GLDC protein function. In summary, the available evidence is currently insufficient to determine the role of this variant in disease. Therefore, it has been classified as a Variant of Uncertain Significance.